The following is an entry in ClinVar:

NM_000497.4(CYP11B1):c.946G>A (p.Val316Met)

Genes: CYP11B1 (cytochrome P450 family 11 subfamily B member 1; minus strand), LOC106799833 (CYP11B1 recombination region; plus strand). Cytogenetic location: 8q24.3.
Variant type: single nucleotide variant.
Coding change: c.946G>A on transcript NM_000497.4 (MANE Select); coding-DNA position 946, G replaced by A.
Protein change: p.Val316Met; replaces valine 316 with methionine.
Molecular consequence: missense variant.
Genome position (GRCh38, 1-based): chr8:142,876,249, C>T on the plus strand (G>A on the coding strand, the complement: CYP11B1 is on the minus strand). VCF-style: chr8-142876249-C-T. GRCh37 (hg19) VCF-style: chr8-143957665-C-T.
Other names: c.946G>A, p.Val316Met (NM_001026213.1); short protein forms V316M.
Identifiers: ClinVar variation 995869 (VCV000995869.11), dbSNP rs375833424, ClinGen allele CA4905245.
Genomic context (GRCh38, chr8:142,876,249, plus strand): 5'-GGAGGCAGGCTTGGCATCACCCTCTCTGGGTGGGGCTGGTTGCCGGCCTGACCGTGTCCA[C>T]GCTCCCTGCAGTGAGTTCCATAGAGTTGGCCTTGATGGCATCTGGCGACAGTTCCGCATT-3'
Protein context (NP_000488.3, residues 306-326): ANSMELTAGS[Val316Met]DTTVFPLLMT

ClinVar aggregate classification (germline): Pathogenic/Likely pathogenic. Review status: criteria provided, multiple submitters, no conflicts (2 of 4 stars). 7 submissions from 7 submitters: Pathogenic (1); Likely pathogenic (5). 1 of the submissions does not count toward it. Last evaluated 2024-03-30.

Conditions:
CYP11B1-related disorder. Also called: CYP11B1-related condition.
Deficiency of steroid 11-beta-monooxygenase (CYP11B1). Also called: ADRENAL HYPERPLASIA, CONGENITAL, DUE TO STEROID 11-BETA-HYDROXYLASE DEFICIENCY; 11-BETA-HYDROXYLASE DEFICIENCY; Congenital adrenal hyperplasia due to 11-beta-hydroxylase deficiency; P450C11B1 DEFICIENCY; STEROID 11-BETA-HYDROXYLASE DEFICIENCY; ADRENAL HYPERPLASIA IV. Identifiers: Orphanet 90795, MedGen C0268292, MONDO:0008729, OMIM 202010. Disease mechanism: loss of function.
Glucocorticoid-remediable aldosteronism. Also called: FH I; GLUCOCORTICOID-SUPPRESSIBLE HYPERALDOSTERONISM; ACTH-DEPENDENT HYPERALDOSTERONISM SYNDROME; ALDOSTERONISM, SENSITIVE TO DEXAMETHASONE; Hyperaldosteronism, familial, type I. Identifiers: Orphanet 403, MedGen C3838731, MONDO:0007080, OMIM 103900.

Allele frequency attached by ClinVar (database versions not stated): ExAC 0.00002; gnomAD 0.00005 and 0.00006; TOPMed 0.00006; ESP Exome Variant Server 0.00008.
gnomAD v4.1: 26 of 1,614,218 alleles (0.0016%); highest among the groups gnomAD compares: African/African-American, 0.004%; no homozygotes.

Submissions (7):

Baylor Genetics
Classification: Likely pathogenic for Deficiency of steroid 11-beta-monooxygenase. Last evaluated: 2024-03-30. Review status: criteria provided, single submitter. Criteria: ACMG Guidelines, 2015. Collection method: clinical testing. Allele origin: unknown.

Fulgent Genetics
Classification: Likely pathogenic for Glucocorticoid-remediable aldosteronism; Deficiency of steroid 11-beta-monooxygenase. Last evaluated: 2024-02-21. Review status: criteria provided, single submitter. Criteria: ACMG Guidelines, 2015. Collection method: clinical testing. Allele origin: germline.

Labcorp Genetics (formerly Invitae), Labcorp
Classification: Pathogenic. Last evaluated: 2024-02-01. Review status: criteria provided, single submitter. Criteria: Invitae Variant Classification Sherloc (09022015). Collection method: clinical testing. Allele origin: germline.
Comment: This sequence change replaces valine, which is neutral and non-polar, with methionine, which is neutral and non-polar, at codon 316 of the CYP11B1 protein (p.Val316Met). This variant is present in population databases (rs375833424, gnomAD 0.005%). This missense change has been observed in individual(s) with clinical features of autosomal recessive CYP11B1-related conditions (PMID: 29909741, 33830237). In at least one individual the data is consistent with being in trans (on the opposite chromosome) from a pathogenic variant. ClinVar contains an entry for this variant (Variation ID: 995869). Advanced modeling of protein sequence and biophysical properties (such as structural, functional, and spatial information, amino acid conservation, physicochemical variation, residue mobility, and thermodynamic stability) performed at Invitae indicates that this missense variant is expected to disrupt CYP11B1 protein function with a positive predictive value of 95%. For these reasons, this variant has been classified as Pathogenic.

Blueprint Genetics
Classification: Likely pathogenic for CYP11B1-related disorders. Last evaluated: 2023-09-13. Review status: criteria provided, single submitter. Criteria: ACMG Guidelines, 2015. Collection method: clinical testing. Allele origin: germline. Affected: yes. Observed: 3 variant alleles.

Laboratory Genomica, Gynecology and Assisted Reproduction Hospital Malinov DM
Classification: Likely pathogenic for Deficiency of steroid 11-beta-monooxygenase. Last evaluated: 2018-03-01. Review status: criteria provided, single submitter. Criteria: ACMG Guidelines, 2015. Collection method: clinical testing. Allele origin: unknown. Inheritance: Autosomal recessive inheritance. Affected: yes. Observed: 1 variant allele, 1 compound heterozygote.

Juno Genomics, Hangzhou Juno Genomics, Inc
Classification: Likely pathogenic for Deficiency of steroid 11-beta-monooxygenase. Review status: criteria provided, single submitter. Criteria: ACMG Guidelines, 2015. Collection method: clinical testing. Allele origin: germline. Affected: yes.
Comment: Absent from controls (or at extremely low frequency if recessive) in Genome Aggregation Database, Exome Sequencing Project, 1000 Genomes Project, or Exome Aggregation Consortium.;For recessive disorders, detected in trans with a pathogenic variant.;Patient's phenotype or family history is highly specific for a disease with a single genetic etiology.

PreventionGenetics, part of Exact Sciences
Classification: Likely pathogenic for CYP11B1-related condition. Last evaluated: 2024-08-12. Review status: no assertion criteria provided. Collection method: clinical testing. Allele origin: germline. Not counted in ClinVar's aggregate classification.
Comment: The CYP11B1 c.946G>A variant is predicted to result in the amino acid substitution p.Val316Met. In the homozygous state, this variant has been reported in three individuals with non-classic steroid 11-beta-hydroxylase deficiency (Yildiz et al. 2021. PubMed ID: 33830237). These observations suggest that this variant is pathogenic and is associated with non-classic steroid-11 beta-hydroxylase deficiency. This variant is reported in 0.0039% of alleles in individuals of European (Non-Finnish) descent in gnomAD. This variant is interpreted as likely pathogenic.

Literature cited by the submitters: PubMed 29909741 (cited by Labcorp Genetics (formerly Invitae), Labcorp); PubMed 33830237 (cited by Labcorp Genetics (formerly Invitae), Labcorp); DOI 10.1080/09513590.2018.1482870 (cited by Laboratory Genomica, Gynecology and Assisted Reproduction Hospital Malinov DM).